The following is an entry in ClinVar:

ClinVar aggregate classification (germline): Pathogenic/Likely pathogenic. Review status: criteria provided, multiple submitters, no conflicts (2 of 4 stars). 3 submissions from 3 submitters: Pathogenic (1); Likely pathogenic (2). Last evaluated 2025-12-15.

Conditions:
Congenital myasthenic syndrome (CMS). Also called: Congenital Myasthenic Syndromes. Identifiers: Orphanet 590, MedGen C0751882, MeSH D020294, MONDO:0018940.
Congenital myasthenic syndrome 4A. Also called: Myasthenic syndrome, congenital, 4a, slow-channel; CONGENITAL MYASTHENIC SYNDROME TYPE Ia1; MYASTHENIC SYNDROME, CONGENITAL, 4A, SLOW-CHANNEL, AUTOSOMAL RECESSIVE. Identifiers: Orphanet 590, MedGen C4225413, MONDO:0011600, OMIM 605809.

Submissions (3):

Natera, Inc.
Classification: Likely pathogenic for Congenital myasthenic syndrome. Last evaluated: 2025-12-15. Review status: criteria provided, single submitter. Criteria: Natera Variant Classification Schema (03/2026). Collection method: clinical testing. Allele origin: germline.
Comment: The c.984_986delinsT variant in CHRNE is a frameshift variant predicted to shift the reading frame beginning at codon 329 and leads to a stop codon 67 codons downstream. This variant is expected to result in nonsense mediated decay, truncation, or a dysfunctional protein product. This variant is rare in the general population with a frequency below the threshold expected for the associated phenotype(s). Given the available evidence, this variant is classified as Likely Pathogenic.

Myriad Genetics, Inc.
Classification: Pathogenic for Congenital myasthenic syndrome. Last evaluated: 2025-08-18. Review status: criteria provided, single submitter. Criteria: Myriad Autosomal Dominant, Autosomal Recessive and X-Linked Classification Criteria (2023). Collection method: clinical testing. Allele origin: unknown.
Comment: NM_000080.3(CHRNE):c.984_986delGTCinsT(S329Pfs*67) is expected to be pathogenic in the context of congenital myasthenic syndrome, CHRNE-related. This variant is predicted to lead to an abnormal or absent protein product due to the creation of a premature termination codon in CHRNE, a gene where loss-of-function variants are known to be pathogenic. Please note: this variant was assessed in the context of healthy population screening.

Baylor Genetics
Classification: Likely pathogenic for Congenital myasthenic syndrome 4A. Last evaluated: 2023-07-13. Review status: criteria provided, single submitter. Criteria: ACMG Guidelines, 2015. Collection method: clinical testing. Allele origin: unknown.

NM_000080.4(CHRNE):c.984_986delinsT (p.Ser329fs)

Gene: CHRNE (cholinergic receptor nicotinic epsilon subunit; minus strand). Cytogenetic location: 17p13.2.
Variant type: Indel.
Coding change: c.984_986delinsT on transcript NM_000080.4 (MANE Select); coding-DNA positions 984 to 986, GTC replaced by T.
Protein change: p.Ser329fs; shifts the reading frame from serine 329.
Molecular consequence: frameshift variant.
Genome position (GRCh38, 1-based): chr17:4,899,514-4,899,516, GAC replaced by A on the plus strand (GTC replaced by T on the coding strand, the reverse complement: CHRNE is on the minus strand). VCF-style: chr17-4899514-GAC-A. GRCh37 (hg19) VCF-style: chr17-4802809-GAC-A.
Other names: c.984_986delinsT (NM_000080.3); short protein forms S329fs.
Identifiers: ClinVar variation 2680785 (VCV002680785.3), dbSNP rs2507543793, ClinGen allele CA2695201220.
Genomic context (GRCh38, chr17:4,899,514, plus strand): 5'-CCCTCCGCGCTTACGTGGCGCAGCCGCGGGGACATGGCGTGGGTGGTGGGCGTCCGCTGG[GAC>A]ACGTTGAGCACGATGACGCAATTCATGACAATGAGCGTGGCGACCACCATGACGAAAATA-3'